The following is an entry in ClinVar:

ClinVar aggregate classification (germline): Likely benign. Review status: criteria provided, multiple submitters, no conflicts (2 of 4 stars). 3 submissions from 3 submitters: Likely benign (2). 1 of the submissions does not count toward it. Last evaluated 2026-01-02.

Conditions:
HEPACAM-related disorder. Also called: HEPACAM-related condition.

Allele frequency attached by ClinVar (database versions not stated): gnomAD exomes 0.00001; ExAC 0.00002; TOPMed 0.00005; ESP Exome Variant Server 0.00008; gnomAD 0.00009; 1000 Genomes Project 0.00060; 1000 Genomes Project 30x 0.00062.

Submissions (3):

Labcorp Genetics (formerly Invitae), Labcorp
Classification: Likely benign. Last evaluated: 2026-01-02. Review status: criteria provided, single submitter. Criteria: Invitae Variant Classification Sherloc (09022015). Collection method: clinical testing. Allele origin: germline.

CeGaT Center for Human Genetics Tuebingen
Classification: Likely benign. Last evaluated: 2025-11-01. Review status: criteria provided, single submitter. Criteria: CeGaT Center For Human Genetics Tuebingen Variant Classification Criteria Version 2. Collection method: clinical testing. Allele origin: germline. Affected: yes. Observed: 2 variant alleles.
Comment: HEPACAM: BP4, BP7

PreventionGenetics, part of Exact Sciences
Classification: Likely benign for HEPACAM-related condition. Last evaluated: 2019-08-14. Review status: no assertion criteria provided. Collection method: clinical testing. Allele origin: germline. Not counted in ClinVar's aggregate classification.
Comment: This variant is classified as likely benign based on ACMG/AMP sequence variant interpretation guidelines (Richards et al. 2015 PMID: 25741868, with internal and published modifications).

NM_152722.5(HEPACAM):c.198A>T (p.Val66=)

Gene: HEPACAM (hepatic and glial cell adhesion molecule; minus strand). Cytogenetic location: 11q24.2.
Variant type: single nucleotide variant.
Coding change: c.198A>T on transcript NM_152722.5 (MANE Select); coding-DNA position 198, A replaced by T.
Protein change: p.Val66=; no amino-acid change (valine 66 retained).
Molecular consequence: synonymous variant.
Genome position (GRCh38, 1-based): chr11:124,924,957, T>A on the plus strand (A>T on the coding strand, the complement: HEPACAM is on the minus strand). VCF-style: chr11-124924957-T-A. GRCh37 (hg19) VCF-style: chr11-124794853-T-A.
Other names: c.198A>T (NM_152722.4); c.198A>T, p.Val66= (NM_001411043.1).
Identifiers: ClinVar variation 2692824 (VCV002692824.11), dbSNP rs145287014, ClinGen allele CA6345794.
Genomic context (GRCh38, chr11:124,924,957, plus strand): 5'-CTCTGTGCCAATGGACTGCACCACGGTCACTGGCTTGTCCCGCTTCAGCTGCCACTTCAC[T>A]ACAGGCCTGTCGCTGCTGGTACTGCTGTACTGCACAGAAAGCAGAGCCGACTTCCCCACG-3'
Protein context (NP_689935.2, residues 56-76): QYSSTSSDRP[Val66=]VKWQLKRDKP